The following is an entry in ClinVar:

NM_000264.5(PTCH1):c.1384T>A (p.Cys462Ser)

Gene: PTCH1 (patched 1; minus strand). Cytogenetic location: 9q22.32.
Variant type: single nucleotide variant.
Coding change: c.1384T>A on transcript NM_000264.5 (MANE Select); coding-DNA position 1384, T replaced by A.
Protein change: p.Cys462Ser; replaces cysteine 462 with serine.
Molecular consequence: missense variant. On other transcripts: non-coding transcript variant (1), intron variant (1).
Genome position (GRCh38, 1-based): chr9:95,477,666, A>T on the plus strand (T>A on the coding strand, the complement: PTCH1 is on the minus strand). VCF-style: chr9-95477666-A-T. GRCh37 (hg19) VCF-style: chr9-98239948-A-T.
Other names: c.1186T>A, p.Cys396Ser (NM_001083602.3); c.1381T>A, p.Cys461Ser (NM_001083603.3); c.931T>A, p.Cys311Ser (NM_001083604.3, NM_001083605.3, NM_001083606.3 and 1 more transcripts); c.1347+389T>A (NM_001354918.2); short protein forms C461S, C396S, C462S, C311S.
Identifiers: ClinVar variation 819055 (VCV000819055.10), dbSNP rs1588600865, ClinGen allele CA374118607.
Genomic context (GRCh38, chr9:95,477,666, plus strand): 5'-CCACTGACAGTGCAACCAGCAGGACGCCAGCCAGCCCCACGGCACCCTGGGACTTGGAGC[A>T]GTCCCAGCGCAGCATGGTTAGACAGGCATAGGCGAGCTGCAAGCAGAACAATGGGGGCAC-3'
Protein context (NP_000255.2, residues 452-472): YACLTMLRWD[Cys462Ser]SKSQGAVGLA

ClinVar aggregate classification (germline): Uncertain significance. Review status: criteria provided, multiple submitters, no conflicts (2 of 4 stars). 2 submissions from 2 submitters: Uncertain significance (2). Last evaluated 2026-04-22.

Conditions:
Hereditary cancer-predisposing syndrome. Also called: Neoplastic Syndromes, Hereditary; Hereditary neoplastic syndrome; Hereditary Cancer Syndrome; Tumor predisposition. Identifiers: Orphanet 140162, MedGen C0027672, MeSH D009386, MONDO:0015356.
Gorlin syndrome. Also called: Nevoid Basal Cell Carcinoma Syndrome; Basal cell nevus syndrome. Identifiers: Orphanet 377, MedGen C0004779, MONDO:0007187.

Submissions (2):

Ambry Genetics
Classification: Uncertain significance for Hereditary cancer-predisposing syndrome. Last evaluated: 2026-04-22. Review status: criteria provided, single submitter. Criteria: Ambry Variant Classification Scheme 2023. Collection method: clinical testing. Allele origin: germline.
Comment: The p.C462S variant (also known as c.1384T>A), located in coding exon 10 of the PTCH1 gene, results from a T to A substitution at nucleotide position 1384. The cysteine at codon 462 is replaced by serine, an amino acid with dissimilar properties. This amino acid position is highly conserved in available vertebrate species. In addition, this alteration is predicted to be deleterious by in silico analysis. Since supporting evidence is limited at this time, the clinical significance of this alteration remains unclear.

Labcorp Genetics (formerly Invitae), Labcorp
Classification: Uncertain significance for Gorlin syndrome. Last evaluated: 2022-01-17. Review status: criteria provided, single submitter. Criteria: Invitae Variant Classification Sherloc (09022015). Collection method: clinical testing. Allele origin: germline.
Comment: This variant has not been reported in the literature in individuals affected with PTCH1-related conditions. In summary, the available evidence is currently insufficient to determine the role of this variant in disease. Therefore, it has been classified as a Variant of Uncertain Significance. Algorithms developed to predict the effect of sequence changes on RNA splicing suggest that this variant may create or strengthen a splice site. Advanced modeling of protein sequence and biophysical properties (such as structural, functional, and spatial information, amino acid conservation, physicochemical variation, residue mobility, and thermodynamic stability) performed at Invitae indicates that this missense variant is not expected to disrupt PTCH1 protein function. ClinVar contains an entry for this variant (Variation ID: 819055). This variant is not present in population databases (gnomAD no frequency). This sequence change replaces cysteine, which is neutral and slightly polar, with serine, which is neutral and polar, at codon 462 of the PTCH1 protein (p.Cys462Ser).